The following is an entry in ClinVar:

ClinVar aggregate classification (germline): Uncertain significance (1 of 4 stars; one submission).

Submission:

GeneDx
Classification: Uncertain significance. Last evaluated: 2026-02-15. Review status: criteria provided, single submitter. Criteria: GeneDx Variant Classification Process June 2021. Collection method: clinical testing. Allele origin: germline.
Comment: Not observed at significant frequency in large population cohorts (gnomAD); In silico analysis supports a deleterious effect on protein structure/function; Has not been previously published as pathogenic or benign to our knowledge

NM_001134407.3(GRIN2A):c.3457_3458delinsTT (p.Asp1153Phe)

Gene: GRIN2A (glutamate ionotropic receptor NMDA type subunit 2A; minus strand). Cytogenetic location: 16p13.2.
Variant type: Indel.
Coding change: c.3457_3458delinsTT on transcript NM_001134407.3 (MANE Select); coding-DNA positions 3457 to 3458, GA replaced by TT.
Protein change: p.Asp1153Phe; replaces aspartic acid 1153 with phenylalanine.
Molecular consequence: missense variant.
Genome position (GRCh38, 1-based): chr16:9,764,086-9,764,087, TC replaced by AA on the plus strand (GA replaced by TT on the coding strand, the reverse complement: GRIN2A is on the minus strand). VCF-style: chr16-9764086-TC-AA. GRCh37 (hg19) VCF-style: chr16-9857943-TC-AA.
Other names: c.3457_3458delinsTT, p.Asp1153Phe (NM_000833.5, NM_001134408.2); short protein forms D1153F.
Identifiers: ClinVar variation 5009502 (VCV005009502.1).